The following is an entry in ClinVar:

ClinVar aggregate classification (germline): Uncertain significance (1 of 4 stars; one submission).

Conditions:
DiGeorge syndrome. Also called: THIRD AND FOURTH PHARYNGEAL POUCH SYNDROME; Catch22. Identifiers: Orphanet 567, MedGen C0012236, MONDO:0008564, OMIM 188400.

Submission:

Labcorp Genetics (formerly Invitae), Labcorp
Classification: Uncertain significance for DiGeorge syndrome. Last evaluated: 2023-01-19. Review status: criteria provided, single submitter. Criteria: Invitae Variant Classification Sherloc (09022015). Collection method: clinical testing. Allele origin: germline.
Comment: This sequence change results in a frameshift in the TBX1 gene (p.Ala450Glyfs*167). While this is not anticipated to result in nonsense mediated decay, it is expected to disrupt the last 46 amino acid(s) of the TBX1 protein and extend the protein by 120 additional amino acid residues. This variant is not present in population databases (gnomAD no frequency). This variant has not been reported in the literature in individuals affected with TBX1-related conditions. Experimental studies and prediction algorithms are not available or were not evaluated, and the functional significance of this variant is currently unknown. In summary, the available evidence is currently insufficient to determine the role of this variant in disease. Therefore, it has been classified as a Variant of Uncertain Significance.

NM_001379200.1(TBX1):c.1375dup (p.Ala459fs)

Gene: TBX1 (T-box transcription factor 1; plus strand). Cytogenetic location: 22q11.21.
Variant type: Duplication.
Coding change: c.1375dup on transcript NM_001379200.1 (MANE Select); coding-DNA position 1375, one base duplicated (G; older notation c.1375dupG).
Protein change: p.Ala459fs; shifts the reading frame from alanine 459.
Molecular consequence: frameshift variant. On other transcripts: intron variant (2).
Genome position (GRCh38, 1-based): chr22:19,766,727, G duplicated. VCF-style (leftmost placement, unchanged base first): chr22-19766726-C-CG. GRCh37 (hg19) VCF-style: chr22-19754249-C-CG.
Other names: c.1348dup, p.Ala450fs (NM_080647.1); c.1009+725dup (NM_005992.1, NM_080646.2); short protein forms A459fs, A450fs.
Identifiers: ClinVar variation 2033618 (VCV002033618.4), dbSNP rs2517859237, ClinGen allele CA2580099115.